The following is an entry in ClinVar:

ClinVar aggregate classification (germline): Likely benign. Review status: criteria provided, multiple submitters, no conflicts (2 of 4 stars). 2 submissions from 2 submitters: Likely benign (2). Last evaluated 2024-10-29.

Conditions:
Congenital myotonia, autosomal dominant form (THD). Also called: THOMSEN DISEASE; Myotonia congenita autosomal dominant. Identifiers: Orphanet 614, MedGen C2936781, MONDO:0008055, OMIM 160800.
Congenital myotonia, autosomal recessive form. Also called: Becker Generalized Myotonia; myotonia congenita, autosomal recessive; BECKER DISEASE. Identifiers: Orphanet 614, MedGen C0751360, MONDO:0009715, OMIM 255700.
Batten-Turner congenital myopathy. Also called: Myotonia congenita; Congenital myotonia. Identifiers: Orphanet 206973, MedGen C0027127, MONDO:0100468, OMIM 255300.

Allele frequency attached by ClinVar (database versions not stated): gnomAD exomes below 0.00001 and 0.00002; TOPMed 0.00001; ExAC 0.00002.
gnomAD v4.1: 9 of 1,614,160 alleles (0.00056%); highest among the groups gnomAD compares: Middle Eastern, 0.016%; no homozygotes.

Submissions (2):

Labcorp Genetics (formerly Invitae), Labcorp
Classification: Likely benign for Congenital myotonia, autosomal recessive form; Congenital myotonia, autosomal dominant form. Last evaluated: 2024-10-29. Review status: criteria provided, single submitter. Criteria: Invitae Variant Classification Sherloc (09022015). Collection method: clinical testing. Allele origin: germline.

Illumina Laboratory Services, Illumina
Classification: Likely benign for Myotonia congenita. Last evaluated: 2018-01-13. Review status: criteria provided, single submitter. Criteria: ICSL Variant Classification Criteria 13 December 2019. Collection method: clinical testing. Allele origin: germline.
Comment: This variant was observed in the ICSL laboratory as part of a predisposition screen in an ostensibly healthy population. It had not been previously curated by ICSL or reported in the Human Gene Mutation Database (HGMD: prior to June 1st, 2018), and was therefore a candidate for classification through an automated scoring system. Utilizing variant allele frequency, disease prevalence and penetrance estimates, and inheritance mode, an automated score was calculated to assess if this variant is too frequent to cause the disease. Based on the score and internal cut-off values, a variant classified as likely benign is not then subjected to further curation. The score for this variant resulted in a classification of likely benign for this disease.

NM_000083.3(CLCN1):c.1767C>T (p.Tyr589=)

Gene: CLCN1 (chloride voltage-gated channel 1; plus strand). Cytogenetic location: 7q34.
Variant type: single nucleotide variant.
Coding change: c.1767C>T on transcript NM_000083.3 (MANE Select); coding-DNA position 1767, C replaced by T.
Protein change: p.Tyr589=; no amino-acid change (tyrosine 589 retained).
Molecular consequence: synonymous variant. On other transcripts: non-coding transcript variant (1).
Genome position (GRCh38, 1-based): chr7:143,342,113, C>T. VCF-style: chr7-143342113-C-T. GRCh37 (hg19) VCF-style: chr7-143039206-C-T.
Identifiers: ClinVar variation 910077 (VCV000910077.11), dbSNP rs746535507, ClinGen allele CA4537464.